The following is an entry in ClinVar:

NM_005055.5(RAPSN):c.125G>A (p.Arg42His)

Gene: RAPSN (receptor associated protein of the synapse; minus strand). Cytogenetic location: 11p11.2.
Variant type: single nucleotide variant.
Coding change: c.125G>A on transcript NM_005055.5 (MANE Select); coding-DNA position 125, G replaced by A.
Protein change: p.Arg42His; replaces arginine 42 with histidine.
Molecular consequence: missense variant.
Genome position (GRCh38, 1-based): chr11:47,448,840, C>T on the plus strand (G>A on the coding strand, the complement: RAPSN is on the minus strand). VCF-style: chr11-47448840-C-T. GRCh37 (hg19) VCF-style: chr11-47470392-C-T.
Other names: c.125G>A, p.Arg42His (NM_032645.5); short protein forms R42H.
Identifiers: ClinVar variation 1974324 (VCV001974324.2), dbSNP rs201399991, ClinGen allele CA221723391.

ClinVar aggregate classification (germline): Uncertain significance (1 of 4 stars; one submission).

Conditions:
Congenital myasthenic syndrome 11. Also called: MYASTHENIC SYNDROME, CONGENITAL, Ie; Myasthenic syndrome, congenital, 11, associated with acetylcholine receptor deficiency. Identifiers: Orphanet 590, MedGen C4225367, MONDO:0014588, OMIM 616326.
Fetal akinesia deformation sequence 1 (FADS1). Also called: Pena-Shokeir syndrome type I; Fetal akinesia sequence. Identifiers: Orphanet 994, MedGen C1276035, MONDO:0100101, OMIM 208150, HP:0001989.

Allele frequency attached by ClinVar (database versions not stated): gnomAD exomes below 0.00001; TOPMed below 0.00001; gnomAD 0.00001.
gnomAD v4.1: 7 of 1,613,902 alleles (0.00043%); highest among the groups gnomAD compares: Middle Eastern, 0.016%; no homozygotes.

Submission:

Labcorp Genetics (formerly Invitae), Labcorp
Classification: Uncertain significance for Congenital myasthenic syndrome 11; Fetal akinesia deformation sequence 1. Last evaluated: 2022-06-25. Review status: criteria provided, single submitter. Criteria: Invitae Variant Classification Sherloc (09022015). Collection method: clinical testing. Allele origin: germline.
Comment: This sequence change replaces arginine, which is basic and polar, with histidine, which is basic and polar, at codon 42 of the RAPSN protein (p.Arg42His). This variant is not present in population databases (gnomAD no frequency). This variant has not been reported in the literature in individuals affected with RAPSN-related conditions. Algorithms developed to predict the effect of missense changes on protein structure and function are either unavailable or do not agree on the potential impact of this missense change (SIFT: "Deleterious"; PolyPhen-2: "Probably Damaging"; Align-GVGD: "Class C0"). In summary, the available evidence is currently insufficient to determine the role of this variant in disease. Therefore, it has been classified as a Variant of Uncertain Significance.